The following is an entry in ClinVar:

ClinVar aggregate classification (germline): Conflicting classifications of pathogenicity. Review status: criteria provided, conflicting classifications (1 of 4 stars). 14 submissions from 12 submitters: Uncertain significance (3); Benign (2); Likely benign (7). 2 of the submissions do not count toward it. Last evaluated 2026-08-01.

Conditions:
Autosomal dominant distal renal tubular acidosis (DRTA1). Also called: RENAL TUBULAR ACIDOSIS, DISTAL, 1; RTA, CLASSIC TYPE; RTA, DISTAL TYPE, AUTOSOMAL DOMINANT; RTA, GRADIENT TYPE; Renal Tubular Acidosis, Type I. Identifiers: Orphanet 93608, MedGen CN280572, MONDO:0008368, OMIM 179800.
Renal tubular acidosis, distal, 4, with hemolytic anemia. Also called: Renal Tubular Acidosis, Distal, with Hemolytic Anemia. Identifiers: Orphanet 93610, MedGen C5436235, MONDO:0012700, OMIM 611590.
Hereditary spherocytosis type 4. Also called: SLC4A1-Related Spherocytosis. Identifiers: Orphanet 822, MedGen C2675212, MONDO:0012981, OMIM 612653.
Hemolytic anemia. Identifiers: MedGen C0002878, MONDO:0003664, HP:0001878.

Allele frequency attached by ClinVar (database versions not stated): 1000 Genomes Project 30x 0.00094; 1000 Genomes Project 0.00100; gnomAD 0.00291 and 0.00294; TOPMed 0.00323; gnomAD exomes 0.00342 and 0.00483; ExAC 0.00355; ESP Exome Variant Server 0.00461.
gnomAD v4.1: 7,442 of 1,614,046 alleles (0.46%); highest among the groups gnomAD compares: Non-Finnish European, 0.54%; 28 homozygotes.

Submissions (14):

CeGaT Center for Human Genetics Tuebingen
Classification: Benign. Last evaluated: 2026-08-01. Review status: criteria provided, single submitter. Criteria: CeGaT Center For Human Genetics Tuebingen Variant Classification Criteria Version 2. Collection method: clinical testing. Allele origin: germline. Affected: yes. Observed: 4 variant alleles.
Comment: SLC4A1: BP4, BS1, BS2

Women's Health and Genetics/Laboratory Corporation of America, LabCorp
Classification: Likely benign. Last evaluated: 2026-03-27. Review status: criteria provided, single submitter. Criteria: LabCorp Variant Classification Summary - May 2015. Collection method: clinical testing. Allele origin: germline.
Comment: Variant summary: SLC4A1 c.539G>A (p.Arg180His) results in a non-conservative amino acid change in the encoded protein sequence. Algorithms developed to predict the effect of missense changes on protein structure and function are either unavailable or do not agree on the potential impact of this missense change. The variant allele was found at a frequency of 0.0034 in 251454 control chromosomes, predominantly at a frequency of 0.0049 within the Non-Finnish European subpopulation in the gnomAD database, including 1 homozygotes. The observed variant frequency within Non-Finnish European control individuals in the gnomAD database exceeds the estimated maximal expected allele frequency for disease-causing variants in SLC4A1. c.539G>A has been observed in an individual affected with Hereditary spherocytosis without strong evidence for causality (Van Zwieten_2013). These report(s) do not provide unequivocal conclusions about association of the variant with SLC4A1-Related Disorders. To our knowledge, no experimental evidence demonstrating an impact on protein function has been reported. The following publication have been ascertained in the context of this evaluation (PMID: 23255290). ClinVar contains an entry for this variant (Variation ID: 255914). Based on the evidence outlined above, the variant was classified as likely benign.

Labcorp Genetics (formerly Invitae), Labcorp
Classification: Likely benign. Last evaluated: 2025-12-01. Review status: criteria provided, single submitter. Criteria: Invitae Variant Classification Sherloc (09022015). Collection method: clinical testing. Allele origin: germline.

Mayo Clinic Laboratories, Mayo Clinic
Classification: Likely benign. Last evaluated: 2025-07-28. Review status: criteria provided, single submitter. Criteria: ACMG Guidelines, 2015. Collection method: clinical testing. Allele origin: germline. Observed: 26 variant alleles.
Comment: BS2, PM1

Rare Kidney Stone Consortium and the Mayo Clinic Hyperoxaluria Center, Mayo Clinic
Classification: Uncertain significance for Renal tubular acidosis, distal, 4, with hemolytic anemia; Autosomal dominant distal renal tubular acidosis. Last evaluated: 2025-05-01. Review status: criteria provided, single submitter. Criteria: ACMG Guidelines, 2015. Collection method: research. Allele origin: germline.
Comment: ACMG: PS1, BS1

heterozygote

Blueprint Genetics
Classification: Likely benign. Last evaluated: 2024-11-25. Review status: criteria provided, single submitter. Criteria: ACMG Guidelines, 2015. Collection method: clinical testing. Allele origin: germline.

ARUP Laboratories, Molecular Genetics and Genomics, ARUP Laboratories
Classification: Likely benign. Last evaluated: 2023-09-13. Review status: criteria provided, single submitter. Criteria: ARUP Molecular Germline Variant Investigation Process 2024. Collection method: clinical testing. Allele origin: germline.

Illumina Laboratory Services, Illumina
Classification: Benign for Hereditary spherocytosis type 4. Last evaluated: 2017-04-27. Review status: criteria provided, single submitter. Criteria: ICSL Variant Classification Criteria 13 December 2019. Collection method: clinical testing. Allele origin: germline.
Comment: This variant was observed as part of a predisposition screen in an ostensibly healthy population. A literature search was performed for the gene, cDNA change, and amino acid change (where applicable). Publications were found based on this search. The evidence from the literature, in combination with allele frequency data from public databases where available, was sufficient to rule this variant out of causing disease. Therefore, this variant is classified as benign.

Illumina Laboratory Services, Illumina
Classification: Likely benign for Hemolytic anemia. Last evaluated: 2017-04-27. Review status: criteria provided, single submitter. Criteria: ICSL Variant Classification Criteria 13 December 2019. Collection method: clinical testing. Allele origin: germline.
Comment: This variant was observed as part of a predisposition screen in an ostensibly healthy population. A literature search was performed for the gene, cDNA change, and amino acid change (where applicable). Publications were found based on this search. The evidence from the literature, in combination with allele frequency data from public databases where available, was sufficient to determine this variant is unlikely to cause disease. Therefore, this variant is classified as likely benign.

Illumina Laboratory Services, Illumina
Classification: Uncertain significance for Autosomal dominant distal renal tubular acidosis. Last evaluated: 2017-04-27. Review status: criteria provided, single submitter. Criteria: ICSL Variant Classification Criteria 13 December 2019. Collection method: clinical testing. Allele origin: germline.
Comment: This variant was observed as part of a predisposition screen in an ostensibly healthy population. A literature search was performed for the gene, cDNA change, and amino acid change (where applicable). Publications were found based on this search. However, the evidence from the literature, in combination with allele frequency data from public databases where available, was not sufficient to rule this variant in or out of causing disease. Therefore, this variant is classified as a variant of unknown significance.

Laboratory for Molecular Medicine, Mass General Brigham Personalized Medicine
Classification: Uncertain significance. Last evaluated: 2016-03-28. Review status: criteria provided, single submitter. Criteria: LMM Criteria. Collection method: clinical testing. Allele origin: germline.
Comment: Variant identified in a genome or exome case(s) and assessed due to predicted null impact of the variant or pathogenic assertions in the literature or databases. Disclaimer: This variant has not undergone full assessment. The following are preliminary notes: Reported in one patient with spherocytosis (Van Zweiten 2013). MAF 0.5%.

PreventionGenetics, part of Exact Sciences
Classification: Likely benign. Review status: criteria provided, single submitter. Criteria: ACMG Guidelines, 2015. Collection method: clinical testing. Allele origin: germline.

Clinical Genetics DNA and cytogenetics Diagnostics Lab, Erasmus MC, Erasmus Medical Center
Classification: Likely benign. Review status: no assertion criteria provided. Collection method: clinical testing. Allele origin: germline. Affected: yes. Study: VKGL Data-share Consensus. Not counted in ClinVar's aggregate classification.

Genome Diagnostics Laboratory, University Medical Center Utrecht
Classification: Benign. Review status: no assertion criteria provided. Collection method: clinical testing. Allele origin: germline. Affected: yes. Study: VKGL Data-share Consensus. Not counted in ClinVar's aggregate classification.

Literature cited by the submitters: PubMed 23255290 (cited by 4 submitters); PubMed 34426522 (cited by Rare Kidney Stone Consortium and the Mayo Clinic Hyperoxaluria Center, Mayo Clinic); PubMed 34805638 (cited by Rare Kidney Stone Consortium and the Mayo Clinic Hyperoxaluria Center, Mayo Clinic); PubMed 26879370 (cited by Illumina Laboratory Services, Illumina).

NM_000342.4(SLC4A1):c.539G>A (p.Arg180His)

Gene: SLC4A1 (solute carrier family 4 member 1 (Diego blood group); minus strand). Cytogenetic location: 17q21.31.
Variant type: single nucleotide variant.
Coding change: c.539G>A on transcript NM_000342.4 (MANE Select); coding-DNA position 539, G replaced by A.
Protein change: p.Arg180His; replaces arginine 180 with histidine.
Molecular consequence: missense variant.
Genome position (GRCh38, 1-based): chr17:44,259,879, C>T on the plus strand (G>A on the coding strand, the complement: SLC4A1 is on the minus strand). VCF-style: chr17-44259879-C-T. GRCh37 (hg19) VCF-style: chr17-42337247-C-T.
Other names: short protein forms R180H.
Identifiers: ClinVar variation 255914 (VCV000255914.47), dbSNP rs147390654, ClinGen allele CA8600562.